The following is an entry in ClinVar:

NM_001369.3(DNAH5):c.299G>C (p.Gly100Ala)

Gene: DNAH5 (dynein axonemal heavy chain 5; minus strand). Cytogenetic location: 5p15.2.
Variant type: single nucleotide variant.
Coding change: c.299G>C on transcript NM_001369.3 (MANE Select); coding-DNA position 299, G replaced by C.
Protein change: p.Gly100Ala; replaces glycine 100 with alanine.
Molecular consequence: missense variant.
Genome position (GRCh38, 1-based): chr5:13,923,419, C>G on the plus strand (G>C on the coding strand, the complement: DNAH5 is on the minus strand). VCF-style: chr5-13923419-C-G. GRCh37 (hg19) VCF-style: chr5-13923528-C-G.
Other names: short protein forms G100A.
Identifiers: ClinVar variation 258016 (VCV000258016.37), dbSNP rs144236383, ClinGen allele CA3205215.

ClinVar aggregate classification (germline): Conflicting classifications of pathogenicity. Review status: criteria provided, conflicting classifications (1 of 4 stars). 9 submissions from 9 submitters: Uncertain significance (1); Benign (3); Likely benign (4). 1 of the submissions does not count toward it. Last evaluated 2026-01-19.

Conditions:
Primary ciliary dyskinesia. Also called: Ciliary dyskinesia. Identifiers: Orphanet 244, MedGen C0008780, MONDO:0016575, HP:0012265.
Primary ciliary dyskinesia 3. Identifiers: Orphanet 244, MedGen C1837618, MONDO:0012085, OMIM 608644.

Allele frequency attached by ClinVar (database versions not stated): gnomAD exomes 0.00072; ExAC 0.00089; gnomAD 0.00278; 1000 Genomes Project 0.00280; TOPMed 0.00311; 1000 Genomes Project 30x 0.00312; ESP Exome Variant Server 0.00354.
gnomAD v4.1: 729 of 1,614,092 alleles (0.045%); highest among the groups gnomAD compares: African/African-American, 0.85%; 2 homozygotes.

Submissions (9):

Labcorp Genetics (formerly Invitae), Labcorp
Classification: Benign for Primary ciliary dyskinesia. Last evaluated: 2026-01-19. Review status: criteria provided, single submitter. Criteria: Invitae Variant Classification Sherloc (09022015). Collection method: clinical testing. Allele origin: germline.

CeGaT Center for Human Genetics Tuebingen
Classification: Likely benign. Last evaluated: 2025-05-01. Review status: criteria provided, single submitter. Criteria: CeGaT Center For Human Genetics Tuebingen Variant Classification Criteria Version 2. Collection method: clinical testing. Allele origin: germline. Affected: yes. Observed: 1 variant allele.
Comment: DNAH5: BP4, BS2

Blueprint Genetics
Classification: Likely benign. Last evaluated: 2024-09-19. Review status: criteria provided, single submitter. Criteria: ACMG Guidelines, 2015. Collection method: clinical testing. Allele origin: germline.

ARUP Laboratories, Molecular Genetics and Genomics, ARUP Laboratories
Classification: Likely benign for Primary ciliary dyskinesia 3. Last evaluated: 2022-03-09. Review status: criteria provided, single submitter. Criteria: ARUP Molecular Germline Variant Investigation Process 2021. Collection method: clinical testing. Allele origin: germline.

Ambry Genetics
Classification: Benign for Primary ciliary dyskinesia. Last evaluated: 2018-02-16. Review status: criteria provided, single submitter. Criteria: Ambry Variant Classification Scheme 2023. Collection method: clinical testing. Allele origin: germline.

Illumina Laboratory Services, Illumina
Classification: Uncertain significance for Primary ciliary dyskinesia 3. Last evaluated: 2018-01-12. Review status: criteria provided, single submitter. Criteria: ICSL Variant Classification Criteria 13 December 2019. Collection method: clinical testing. Allele origin: germline.

Center for Pediatric Genomic Medicine, Children's Mercy Hospital and Clinics
Classification: Likely benign. Last evaluated: 2017-04-27. Review status: criteria provided, single submitter. Criteria: ACMG Guidelines, 2015. Collection method: clinical testing. Allele origin: germline.

PreventionGenetics, part of Exact Sciences
Classification: Benign. Review status: criteria provided, single submitter. Criteria: ACMG Guidelines, 2015. Collection method: clinical testing. Allele origin: germline.

Natera, Inc.
Classification: Benign for Primary ciliary dyskinesia. Last evaluated: 2019-10-21. Review status: no assertion criteria provided. Collection method: clinical testing. Allele origin: germline. Not counted in ClinVar's aggregate classification.